The following is an entry in ClinVar:

NM_001165963.4(SCN1A):c.970C>A (p.His324Asn)

Gene: SCN1A (sodium voltage-gated channel alpha subunit 1; minus strand). Cytogenetic location: 2q24.3.
Variant type: single nucleotide variant.
Coding change: c.970C>A on transcript NM_001165963.4 (MANE Select); coding-DNA position 970, C replaced by A.
Protein change: p.His324Asn; replaces histidine 324 with asparagine.
Molecular consequence: missense variant. On other transcripts: 5 prime UTR variant (1), non-coding transcript variant (1).
Genome position (GRCh38, 1-based): chr2:166,048,944, G>T on the plus strand (C>A on the coding strand, the complement: SCN1A is on the minus strand). VCF-style: chr2-166048944-G-T. GRCh37 (hg19) VCF-style: chr2-166905454-G-T.
Other names: c.970C>A, p.His324Asn (NM_001165964.3, NM_001202435.3, NM_001353948.2 and 10 more transcripts); c.-1456C>A (NM_001353961.2); short protein forms H324N.
Identifiers: ClinVar variation 2203198 (VCV002203198.4), dbSNP rs2468200426, ClinGen allele CA349071789.

ClinVar aggregate classification (germline): Pathogenic (1 of 4 stars; one submission).

Conditions:
Early-infantile DEE. Also called: Early infantile epileptic encephalopathy with suppression bursts; Early infantile epileptic encephalopathy; Ohtahara syndrome. Identifiers: Orphanet 1934, MedGen C0393706, MONDO:0800491.

Submission:

Labcorp Genetics (formerly Invitae), Labcorp
Classification: Pathogenic for Early-infantile DEE. Last evaluated: 2023-10-30. Review status: criteria provided, single submitter. Criteria: Invitae Variant Classification Sherloc (09022015). Collection method: clinical testing. Allele origin: germline.
Comment: This sequence change replaces histidine, which is basic and polar, with asparagine, which is neutral and polar, at codon 324 of the SCN1A protein (p.His324Asn). This variant is not present in population databases (gnomAD no frequency). This missense change has been observed in individual(s) with clinical features of SCN1A-related conditions (PMID: 28012175; Invitae). In at least one individual the variant was observed to be de novo. ClinVar contains an entry for this variant (Variation ID: 2203198). Advanced modeling of protein sequence and biophysical properties (such as structural, functional, and spatial information, amino acid conservation, physicochemical variation, residue mobility, and thermodynamic stability) performed at Invitae indicates that this missense variant is not expected to disrupt SCN1A protein function with a negative predictive value of 95%. This variant disrupts the p.His324 amino acid residue in SCN1A. Other variant(s) that disrupt this residue have been determined to be pathogenic (PMID: 29142202). This suggests that this residue is clinically significant, and that variants that disrupt this residue are likely to be disease-causing. For these reasons, this variant has been classified as Pathogenic.

Literature cited by the submitters: PubMed 28012175; PubMed 29142202.